The following is an entry in ClinVar:

NM_016562.4(TLR7):c.3094G>A (p.Ala1032Thr)

Gene: TLR7 (toll like receptor 7; plus strand). Cytogenetic location: Xp22.2.
Variant type: single nucleotide variant.
Coding change: c.3094G>A on transcript NM_016562.4 (MANE Select); coding-DNA position 3094, G replaced by A.
Protein change: p.Ala1032Thr; replaces alanine 1032 with threonine.
Molecular consequence: missense variant.
Genome position (GRCh38, 1-based): chrX:12,888,602, G>A. VCF-style: chrX-12888602-G-A. GRCh37 (hg19) VCF-style: chrX-12906721-G-A.
Other names: p.Ala1032Thr; short protein forms A1032T.
Identifiers: ClinVar variation 2068344 (VCV002068344.30), dbSNP rs147244662, ClinGen allele CA10350134.

ClinVar aggregate classification (germline): Conflicting classifications of pathogenicity. Review status: criteria provided, conflicting classifications (1 of 4 stars). 3 submissions from 3 submitters: Uncertain significance (1); Benign (2). Last evaluated 2026-08-01.

Allele frequency attached by ClinVar (database versions not stated): ESP Exome Variant Server 0.00047; gnomAD exomes 0.00053; TOPMed 0.00055; ExAC 0.00061; gnomAD 0.00062.
gnomAD v4.1: 681 of 1,209,295 alleles (0.056%); highest among the groups gnomAD compares: Middle Eastern, 0.55%; 4 homozygotes.

Submissions (3):

CeGaT Center for Human Genetics Tuebingen
Classification: Benign. Last evaluated: 2026-08-01. Review status: criteria provided, single submitter. Criteria: CeGaT Center For Human Genetics Tuebingen Variant Classification Criteria Version 2. Collection method: clinical testing. Allele origin: germline. Affected: yes. Observed: 6 variant alleles.
Comment: TLR7: BP4, BS1, BS2

Labcorp Genetics (formerly Invitae), Labcorp
Classification: Benign. Last evaluated: 2026-01-25. Review status: criteria provided, single submitter. Criteria: Invitae Variant Classification Sherloc (09022015). Collection method: clinical testing. Allele origin: germline.

Mayo Clinic Laboratories, Mayo Clinic
Classification: Uncertain significance. Last evaluated: 2024-08-06. Review status: criteria provided, single submitter. Criteria: ACMG Guidelines, 2015. Collection method: clinical testing. Allele origin: germline. Observed: 1 variant allele.
Comment: BS3_supporting, BP4, PP4

Literature cited by the submitters: PubMed 33650967 (cited by Mayo Clinic Laboratories, Mayo Clinic); PubMed 34413140 (cited by Mayo Clinic Laboratories, Mayo Clinic); PubMed 34952932 (cited by Mayo Clinic Laboratories, Mayo Clinic); PubMed 37567916 (cited by Mayo Clinic Laboratories, Mayo Clinic).